The following is an entry in ClinVar:

ClinVar aggregate classification (germline): Uncertain significance (1 of 4 stars; one submission).

gnomAD v4.1: 1 of 1,602,420 alleles (0.000062%); highest among the groups gnomAD compares: Non-Finnish European, 0.000085%; no homozygotes.

Submission:

Ambry Genetics
Classification: Uncertain significance. Last evaluated: 2025-09-27. Review status: criteria provided, single submitter. Criteria: Ambry Variant Classification Scheme 2023. Collection method: clinical testing. Allele origin: germline.
Comment: The p.N2116K variant (also known as c.6348C>G), located in coding exon 27 of the WNK2 gene, results from a C to G substitution at nucleotide position 6348. The asparagine at codon 2116 is replaced by lysine, an amino acid with similar properties. This amino acid position is conserved. In addition, this alteration is predicted to be tolerated by in silico analysis. Based on the available evidence, the clinical significance of this variant remains unclear.

NM_006648.4(WNK2):c.6348C>G (p.Asn2116Lys)

Gene: WNK2 (WNK lysine deficient protein kinase 2; plus strand). Cytogenetic location: 9q22.31.
Variant type: single nucleotide variant.
Coding change: c.6348C>G on transcript NM_006648.4 (MANE Select); coding-DNA position 6348, C replaced by G.
Protein change: p.Asn2116Lys; replaces asparagine 2116 with lysine.
Molecular consequence: missense variant.
Genome position (GRCh38, 1-based): chr9:93,308,416, C>G. VCF-style: chr9-93308416-C-G. GRCh37 (hg19) VCF-style: chr9-96070698-C-G.
Other names: c.6459C>G, p.Asn2153Lys (NM_001282394.3); short protein forms N2116K, N2153K.
Identifiers: ClinVar variation 4605198 (VCV004605198.1).